The following is an entry in ClinVar:

ClinVar aggregate classification (germline): Pathogenic (1 of 4 stars; one submission).

Conditions:
Neurofibromatosis, type 1 (NF1). Also called: Neurofibromatosis, type I; Peripheral type neurofibromatosis; VON RECKLINGHAUSEN DISEASE; NEUROFIBROMATOSIS, TYPE I, SOMATIC. Identifiers: Orphanet 636, MedGen C0027831, MONDO:0018975, OMIM 162200. Disease mechanism: loss of function.

Submission:

Labcorp Genetics (formerly Invitae), Labcorp
Classification: Pathogenic for Neurofibromatosis, type 1. Last evaluated: 2022-06-21. Review status: criteria provided, single submitter. Criteria: Invitae Variant Classification Sherloc (09022015). Collection method: clinical testing. Allele origin: germline.
Comment: This sequence change creates a premature translational stop signal (p.Thr2600Ilefs*4) in the NF1 gene. It is expected to result in an absent or disrupted protein product. Loss-of-function variants in NF1 are known to be pathogenic (PMID: 10712197, 23913538). This variant is not present in population databases (gnomAD no frequency). This variant has not been reported in the literature in individuals affected with NF1-related conditions. For these reasons, this variant has been classified as Pathogenic.

Literature cited by the submitters: PubMed 10712197; PubMed 23913538.

NM_001042492.3(NF1):c.7860_7861dup (p.Thr2621fs)

Gene: NF1 (neurofibromin 1; plus strand). Cytogenetic location: 17q11.2.
Variant type: Duplication.
Coding change: c.7860_7861dup on transcript NM_001042492.3 (MANE Select); coding-DNA positions 7860 to 7861, 2 bases duplicated (TA; older notation c.7860_7861dupTA).
Protein change: p.Thr2621fs; shifts the reading frame from threonine 2621.
Molecular consequence: frameshift variant.
Genome position (GRCh38, 1-based): chr17:31,357,081-31,357,082, TA duplicated. VCF-style (leftmost placement, unchanged base first): chr17-31357080-T-TTA. GRCh37 (hg19) VCF-style: chr17-29684098-T-TTA.
Other names: c.7797_7798dup, p.Thr2600Ilefs (NM_000267.4); short protein forms T2621fs, T2600fs.
Identifiers: ClinVar variation 2008405 (VCV002008405.4), dbSNP rs2508828109, ClinGen allele CA2580093457.